The following is an entry in ClinVar:

ClinVar aggregate classification (germline): Pathogenic/Likely pathogenic. Review status: criteria provided, multiple submitters, no conflicts (2 of 4 stars). 2 submissions from 2 submitters: Pathogenic (1); Likely pathogenic (1). Last evaluated 2019-01-31.

Conditions:
SPRED1-related disorder. Also called: SPRED1-related condition.
Legius syndrome. Identifiers: Orphanet 137605, MedGen C1969623, MONDO:0012669, OMIM 611431. Disease mechanism: loss of function.

Submissions (2):

Labcorp Genetics (formerly Invitae), Labcorp
Classification: Pathogenic for Legius syndrome. Last evaluated: 2019-01-31. Review status: criteria provided, single submitter. Criteria: Invitae Variant Classification Sherloc (09022015). Collection method: clinical testing. Allele origin: germline.
Comment: For these reasons, this variant has been classified as Pathogenic. This sequence change creates a premature translational stop signal (p.Arg110Serfs*2) in the SPRED1 gene. It is expected to result in an absent or disrupted protein product. This variant is not present in population databases (ExAC no frequency). This variant has been observed in several individuals affected with Legius syndrome (PMID: 19920235, 21089071). This variant has also been reported as c.329_330insCTAG. Loss-of-function variants in SPRED1 are known to be pathogenic (PMID: 17704776).

Blueprint Genetics
Classification: Likely pathogenic for SPRED1-related disorders. Last evaluated: 2018-05-28. Review status: criteria provided, single submitter. Criteria: ACMG Guidelines, 2015. Collection method: clinical testing. Allele origin: germline. Affected: yes. Observed: 1 variant allele.

Literature cited by the submitters: PubMed 19920235 (cited by Labcorp Genetics (formerly Invitae), Labcorp); PubMed 21089071 (cited by Labcorp Genetics (formerly Invitae), Labcorp); PubMed 17704776 (cited by Labcorp Genetics (formerly Invitae), Labcorp).

NM_152594.3(SPRED1):c.326_329dup (p.Arg110delinsSerTer)

Gene: SPRED1 (sprouty related EVH1 domain containing 1; plus strand). Cytogenetic location: 15q14.
Variant type: Duplication.
Coding change: c.326_329dup on transcript NM_152594.3 (MANE Select); coding-DNA positions 326 to 329, 4 bases duplicated (CTAG; older notation c.326_329dupCTAG).
Protein change: p.Arg110delinsSerTer.
Molecular consequence: nonsense.
Genome position (GRCh38, 1-based): chr15:38,322,359-38,322,362, CTAG duplicated; duplicating any 4 consecutive bases within chr15:38,322,358-38,322,362 gives the same sequence; the c. name uses the placement nearest the transcript's 3' end. VCF-style (leftmost placement, unchanged base first): chr15-38322357-T-TGCTA. GRCh37 (hg19) VCF-style: chr15-38614558-T-TGCTA.
Identifiers: ClinVar variation 636663 (VCV000636663.12), dbSNP rs1595746858, ClinGen allele CA658761244.